The following is an entry in ClinVar:

ClinVar aggregate classification (germline): Uncertain significance. Review status: criteria provided, multiple submitters, no conflicts (2 of 4 stars). 3 submissions from 3 submitters: Uncertain significance (2). 1 of the submissions does not count toward it. Last evaluated 2024-11-12.

Conditions:
Blau syndrome (BLAUS). Also called: GRANULOMATOSIS, FAMILIAL JUVENILE SYSTEMIC; GRANULOMATOSIS, FAMILIAL, BLAU TYPE; GRANULOMATOUS INFLAMMATORY ARTHRITIS, DERMATITIS, AND UVEITIS, FAMILIAL; JABS SYNDROME; ARTHROCUTANEOUVEAL GRANULOMATOSIS. Identifiers: Orphanet 90340, MedGen C5201146, MONDO:0008523, OMIM 186580.
Regional enteritis. Also called: Enteritis, Granulomatous. Identifiers: MedGen C0678202, MeSH D003424.

Allele frequency attached by ClinVar (database versions not stated): ExAC 0.00001; gnomAD exomes 0.00001; gnomAD 0.00002; TOPMed 0.00002.
gnomAD v4.1: 18 of 1,613,102 alleles (0.0011%); highest among the groups gnomAD compares: South Asian, 0.0044%; no homozygotes.

Submissions (3):

Labcorp Genetics (formerly Invitae), Labcorp
Classification: Uncertain significance for Regional enteritis; Blau syndrome. Last evaluated: 2024-11-12. Review status: criteria provided, single submitter. Criteria: Invitae Variant Classification Sherloc (09022015). Collection method: clinical testing. Allele origin: germline.
Comment: This sequence change replaces arginine, which is basic and polar, with cysteine, which is neutral and slightly polar, at codon 713 of the NOD2 protein (p.Arg713Cys). This variant is present in population databases (rs104895440, gnomAD 0.01%). This missense change has been observed in individual(s) with Crohn’s disease (PMID: 11875755, 15770725). ClinVar contains an entry for this variant (Variation ID: 97843). Invitae Evidence Modeling of protein sequence and biophysical properties (such as structural, functional, and spatial information, amino acid conservation, physicochemical variation, residue mobility, and thermodynamic stability) indicates that this missense variant is not expected to disrupt NOD2 protein function with a negative predictive value of 95%. Experimental studies have shown that this missense change affects NOD2 function (PMID: 12626759). In summary, the available evidence is currently insufficient to determine the role of this variant in disease. Therefore, it has been classified as a Variant of Uncertain Significance.

CeGaT Center for Human Genetics Tuebingen
Classification: Uncertain significance. Last evaluated: 2017-11-01. Review status: criteria provided, single submitter. Criteria: CeGaT Center For Human Genetics Tuebingen Variant Classification Criteria Version 2. Collection method: clinical testing. Allele origin: germline. Affected: yes. Observed: 1 variant allele.

Unité médicale des maladies autoinflammatoires, CHRU Montpellier
No classification provided. Condition: Sarcoidosis, early-onset. Review status: no classification provided. Collection method: not provided. Allele origin: unknown. Not counted in ClinVar's aggregate classification.
Comment: also involved in OMIM 186580 and 266600

Literature cited by the submitters: PubMed 11875755 (cited by Labcorp Genetics (formerly Invitae), Labcorp); PubMed 15770725 (cited by Labcorp Genetics (formerly Invitae), Labcorp); PubMed 12626759 (cited by Labcorp Genetics (formerly Invitae), Labcorp).

NM_001370466.1(NOD2):c.2056C>T (p.Arg686Cys)

Gene: NOD2 (nucleotide binding oligomerization domain containing 2; plus strand). Cytogenetic location: 16q12.1.
Variant type: single nucleotide variant.
Coding change: c.2056C>T on transcript NM_001370466.1 (MANE Select); coding-DNA position 2056, C replaced by T.
Protein change: p.Arg686Cys; replaces arginine 686 with cysteine.
Molecular consequence: missense variant. On other transcripts: non-coding transcript variant (1).
Genome position (GRCh38, 1-based): chr16:50,712,048, C>T. VCF-style: chr16-50712048-C-T. GRCh37 (hg19) VCF-style: chr16-50745959-C-T.
Other names: c.2137C>T (LRG_177t1); c.2056C>T, p.Arg686Cys (NM_001293557.2); c.2137C>T, p.Arg713Cys (NM_022162.3); short protein forms R713C, R686C.
Identifiers: ClinVar variation 97843 (VCV000097843.47), dbSNP rs104895440, ClinGen allele CA150241.